The following is an entry in ClinVar:

NM_002439.5(MSH3):c.1913T>A (p.Phe638Tyr)

Gene: MSH3 (mutS homolog 3; plus strand). Cytogenetic location: 5q14.1.
Variant type: single nucleotide variant.
Coding change: c.1913T>A on transcript NM_002439.5 (MANE Select); coding-DNA position 1913, T replaced by A.
Protein change: p.Phe638Tyr; replaces phenylalanine 638 with tyrosine.
Molecular consequence: missense variant.
Genome position (GRCh38, 1-based): chr5:80,767,949, T>A. VCF-style: chr5-80767949-T-A. GRCh37 (hg19) VCF-style: chr5-80063768-T-A.
Other names: short protein forms F638Y.
Identifiers: ClinVar variation 4654284 (VCV004654284.1).

ClinVar aggregate classification (germline): Uncertain significance (1 of 4 stars; one submission).

Conditions:
Hereditary cancer-predisposing syndrome. Also called: Neoplastic Syndromes, Hereditary; Tumor predisposition; Hereditary Cancer Syndrome; Hereditary neoplastic syndrome. Identifiers: Orphanet 140162, MedGen C0027672, MeSH D009386, MONDO:0015356.

Submission:

Ambry Genetics
Classification: Uncertain significance for Hereditary cancer-predisposing syndrome. Last evaluated: 2025-09-27. Review status: criteria provided, single submitter. Criteria: Ambry Variant Classification Scheme 2023. Collection method: clinical testing. Allele origin: germline.
Comment: The p.F638Y variant (also known as c.1913T>A), located in coding exon 14 of the MSH3 gene, results from a T to A substitution at nucleotide position 1913. The phenylalanine at codon 638 is replaced by tyrosine, an amino acid with highly similar properties. This amino acid position is conserved. In addition, this alteration is predicted to be deleterious by in silico analysis. Based on the available evidence, the clinical significance of this variant remains unclear.